The following is an entry in ClinVar:

NM_005883.3(APC2):c.863A>G (p.Gln288Arg)

Gene: APC2 (APC regulator of WNT signaling pathway 2; plus strand). Cytogenetic location: 19p13.3.
Variant type: single nucleotide variant.
Coding change: c.863A>G on transcript NM_005883.3 (MANE Select); coding-DNA position 863, A replaced by G.
Protein change: p.Gln288Arg; replaces glutamine 288 with arginine.
Molecular consequence: missense variant.
Genome position (GRCh38, 1-based): chr19:1,456,899, A>G. VCF-style: chr19-1456899-A-G. GRCh37 (hg19) VCF-style: chr19-1456898-A-G.
Other names: c.860A>G, p.Gln287Arg (NM_001351273.1); short protein forms Q288R, Q287R.
Identifiers: ClinVar variation 2049873 (VCV002049873.2), dbSNP rs779439124, ClinGen allele CA9044918.

ClinVar aggregate classification (germline): Uncertain significance (1 of 4 stars; one submission).

Allele frequency attached by ClinVar (database versions not stated): gnomAD 0.00002; TOPMed 0.00005; gnomAD exomes 0.00006; ExAC 0.00019.
gnomAD v4.1: 38 of 1,587,756 alleles (0.0024%); highest among the groups gnomAD compares: Admixed American, 0.064%; no homozygotes.

Submission:

Labcorp Genetics (formerly Invitae), Labcorp
Classification: Uncertain significance. Last evaluated: 2022-11-01. Review status: criteria provided, single submitter. Criteria: Invitae Variant Classification Sherloc (09022015). Collection method: clinical testing. Allele origin: germline.
Comment: In summary, the available evidence is currently insufficient to determine the role of this variant in disease. Therefore, it has been classified as a Variant of Uncertain Significance. Advanced modeling of protein sequence and biophysical properties (such as structural, functional, and spatial information, amino acid conservation, physicochemical variation, residue mobility, and thermodynamic stability) performed at Invitae indicates that this missense variant is expected to disrupt APC2 protein function. This variant has not been reported in the literature in individuals affected with APC2-related conditions. This variant is present in population databases (rs779439124, gnomAD 0.1%). This sequence change replaces glutamine, which is neutral and polar, with arginine, which is basic and polar, at codon 288 of the APC2 protein (p.Gln288Arg).